The following is an entry in ClinVar:

ClinVar aggregate classification (germline): Uncertain significance (1 of 4 stars; one submission).

Submission:

Ambry Genetics
Classification: Uncertain significance. Last evaluated: 2026-06-09. Review status: criteria provided, single submitter. Criteria: Ambry Variant Classification Scheme 2023. Collection method: clinical testing. Allele origin: germline.
Comment: The p.G76E variant (also known as c.227G>A), located in coding exon 2 of the GEN1 gene, results from a G to A substitution at nucleotide position 227. The glycine at codon 76 is replaced by glutamic acid, an amino acid with similar properties. This amino acid position is conserved. In addition, this alteration is predicted to be deleterious by in silico analysis. Based on the available evidence, the clinical significance of this variant remains unclear.

NM_001130009.3(GEN1):c.227G>A (p.Gly76Glu)

Gene: GEN1 (GEN1 structure-specific endonuclease; plus strand). Cytogenetic location: 2p24.2.
Variant type: single nucleotide variant.
Coding change: c.227G>A on transcript NM_001130009.3 (MANE Select); coding-DNA position 227, G replaced by A.
Protein change: p.Gly76Glu; replaces glycine 76 with glutamic acid.
Molecular consequence: missense variant.
Genome position (GRCh38, 1-based): chr2:17,761,461, G>A. VCF-style: chr2-17761461-G-A. GRCh37 (hg19) VCF-style: chr2-17942728-G-A.
Other names: c.227G>A, p.Gly76Glu (NM_182625.5); short protein forms G76E.
Identifiers: ClinVar variation 4858012 (VCV004858012.1).